The following is an entry in ClinVar:

ClinVar aggregate classification (somatic clinical impact): Tier I - Strong (1 of 4 stars; one submission).

Conditions:
Rhabdomyosarcoma. Also called: Rhabdomyosarcoma (disease). Identifiers: Orphanet 780, MedGen C0035412, MeSH D012208, MONDO:0005212, HP:0002859.

Submission:

Institute for Genomic Medicine (IGM) Clinical Laboratory, Nationwide Children's Hospital
Classification: Tier I - Strong for Rhabdomyosarcoma. Assertion type: diagnostic. Clinical significance: supports diagnosis. Last evaluated: 2025-04-06. Review status: criteria provided, single submitter. Criteria: AMP/ASCO/CAP Guidelines, 2017. Collection method: clinical testing. Allele origin: somatic. Affected: yes.
Comment: Variant has Tier I (strong) clinical significance as a diagnostic inclusion criterion in rhabdomyosarcoma, based on the following evidence: 1) Documented in one or more cancer databases (e.g., St. Jude Pecan, COSMIC, CIViC, OncoKB). 2) Appears in one or more well-established professional guidelines (e.g., World Health Organization [WHO]; National Comprehensive Cancer Network [NCCN]) as providing diagnostic, prognostic, or therapeutic information. 3) Information in the literature supports potential biologic effect of variant (PMIDs: 19809159, 29487419). 4) Diagnostic for a specific tumor type/classification based on well-powered studies with expert-level consensus (Evidence Level B; PMIDs: 24436047, 34166060, 24332040, 25768946).

Literature cited by the submitters: PubMed 19809159; PubMed 29487419; PubMed 24436047; PubMed 34166060; PubMed 24332040; PubMed 25768946.

NM_213647.3(FGFR4):c.1649T>A (p.Val550Glu)

Gene: FGFR4 (fibroblast growth factor receptor 4; plus strand). Cytogenetic location: 5q35.2.
Variant type: single nucleotide variant.
Coding change: c.1649T>A on transcript NM_213647.3 (MANE Select); coding-DNA position 1649, T replaced by A.
Protein change: p.Val550Glu; replaces valine 550 with glutamic acid.
Molecular consequence: missense variant.
Genome position (GRCh38, 1-based): chr5:177,095,551, T>A. VCF-style: chr5-177095551-T-A. GRCh37 (hg19) VCF-style: chr5-176522552-T-A.
Other names: c.1445T>A, p.Val482Glu (NM_001291980.2); c.1649T>A, p.Val550Glu (NM_001354984.2, NM_002011.5); c.1529T>A, p.Val510Glu (NM_022963.3); short protein forms V550E, V510E, V482E.
Identifiers: ClinVar variation 4530039 (VCV004530039.1), dbSNP rs1057519793.